The following is an entry in ClinVar:

NM_017986.4(SLC52A1):c.257T>G (p.Val86Gly)

Gene: SLC52A1 (solute carrier family 52 member 1; minus strand). Cytogenetic location: 17p13.2.
Variant type: single nucleotide variant.
Coding change: c.257T>G on transcript NM_017986.4 (MANE Select); coding-DNA position 257, T replaced by G.
Protein change: p.Val86Gly; replaces valine 86 with glycine.
Molecular consequence: missense variant.
Genome position (GRCh38, 1-based): chr17:5,034,232, A>C on the plus strand (T>G on the coding strand, the complement: SLC52A1 is on the minus strand). VCF-style: chr17-5034232-A-C. GRCh37 (hg19) VCF-style: chr17-4937527-A-C.
Other names: c.257T>G, p.Val86Gly (NM_001104577.2); short protein forms V86G.
Identifiers: ClinVar variation 2593023 (VCV002593023.3), dbSNP rs748471589, ClinGen allele CA8319830.

ClinVar aggregate classification (germline): Uncertain significance. Review status: criteria provided, multiple submitters, no conflicts (2 of 4 stars). 2 submissions from 2 submitters: Uncertain significance (2). Last evaluated 2025-09-21.

Conditions:
Vitamin B2 deficiency. Identifiers: MedGen C0035528.

Allele frequency attached by ClinVar (database versions not stated): TOPMed below 0.00001; gnomAD exomes 0.00001; ExAC 0.00005.
gnomAD v4.1: 14 of 1,613,628 alleles (0.00087%); highest among the groups gnomAD compares: East Asian, 0.031%; no homozygotes.

Submissions (2):

Labcorp Genetics (formerly Invitae), Labcorp
Classification: Uncertain significance for Vitamin B2 deficiency. Last evaluated: 2025-09-21. Review status: criteria provided, single submitter. Criteria: Invitae Variant Classification Sherloc (09022015). Collection method: clinical testing. Allele origin: germline.
Comment: This sequence change replaces valine, which is neutral and non-polar, with glycine, which is neutral and non-polar, at codon 86 of the SLC52A1 protein (p.Val86Gly). This variant is present in population databases (rs748471589, gnomAD 0.09%), and has an allele count higher than expected for a pathogenic variant. This variant has not been reported in the literature in individuals affected with SLC52A1-related conditions. ClinVar contains an entry for this variant (Variation ID: 2593023). Invitae Evidence Modeling of protein sequence and biophysical properties (such as structural, functional, and spatial information, amino acid conservation, physicochemical variation, residue mobility, and thermodynamic stability) indicates that this missense variant is not expected to disrupt SLC52A1 protein function with a negative predictive value of 80%. In summary, the available evidence is currently insufficient to determine the role of this variant in disease. Therefore, it has been classified as a Variant of Uncertain Significance.

Ambry Genetics
Classification: Uncertain significance. Last evaluated: 2023-08-22. Review status: criteria provided, single submitter. Criteria: Ambry Variant Classification Scheme 2023. Collection method: clinical testing. Allele origin: germline.